The following is an entry in ClinVar:

NM_004385.5(VCAN):c.5377T>G (p.Phe1793Val)

Genes: VCAN (versican; plus strand), VCAN-AS1 (VCAN antisense RNA 1; minus strand). Cytogenetic location: 5q14.3.
Variant type: single nucleotide variant.
Coding change: c.5377T>G on transcript NM_004385.5 (MANE Select); coding-DNA position 5377, T replaced by G.
Protein change: p.Phe1793Val; replaces phenylalanine 1793 with valine.
Molecular consequence: missense variant. On other transcripts: intron variant (2).
Genome position (GRCh38, 1-based): chr5:83,538,380, T>G. VCF-style: chr5-83538380-T-G. GRCh37 (hg19) VCF-style: chr5-82834199-T-G.
Other names: c.2416T>G, p.Phe806Val (NM_001164097.2); c.4004-7157T>G (NM_001164098.2); c.1043-7157T>G (NM_001126336.3); short protein forms F806V, F1793V.
Identifiers: ClinVar variation 1945351 (VCV001945351.5), dbSNP rs2479108085, ClinGen allele CA360310278.

ClinVar aggregate classification (germline): Uncertain significance (1 of 4 stars; one submission).

Submission:

Labcorp Genetics (formerly Invitae), Labcorp
Classification: Uncertain significance. Last evaluated: 2022-07-05. Review status: criteria provided, single submitter. Criteria: Invitae Variant Classification Sherloc (09022015). Collection method: clinical testing. Allele origin: germline.
Comment: This variant is not present in population databases (gnomAD no frequency). In summary, the available evidence is currently insufficient to determine the role of this variant in disease. Therefore, it has been classified as a Variant of Uncertain Significance. Algorithms developed to predict the effect of missense changes on protein structure and function (SIFT, PolyPhen-2, Align-GVGD) all suggest that this variant is likely to be tolerated. This variant has not been reported in the literature in individuals affected with VCAN-related conditions. This sequence change replaces phenylalanine, which is neutral and non-polar, with valine, which is neutral and non-polar, at codon 1793 of the VCAN protein (p.Phe1793Val).